The following is an entry in ClinVar:

ClinVar aggregate classification (germline): Uncertain significance (1 of 4 stars; one submission).

Submission:

Labcorp Genetics (formerly Invitae), Labcorp
Classification: Uncertain significance. Last evaluated: 2025-08-07. Review status: criteria provided, single submitter. Criteria: Invitae Variant Classification Sherloc (09022015). Collection method: clinical testing. Allele origin: germline.
Comment: This sequence change replaces glutamic acid, which is acidic and polar, with lysine, which is basic and polar, at codon 103 of the CARD8 protein (p.Glu103Lys). This variant is present in population databases (rs774410020, gnomAD 0.003%). This variant has not been reported in the literature in individuals affected with CARD8-related conditions. An algorithm developed to predict the effect of missense changes on protein structure and function outputs the following: PolyPhen-2: "Benign". The lysine amino acid residue is found in multiple mammalian species, which suggests that this missense change does not adversely affect protein function. In summary, the available evidence is currently insufficient to determine the role of this variant in disease. Therefore, it has been classified as a Variant of Uncertain Significance.

NM_001184900.3(CARD8):c.457G>A (p.Glu153Lys)

Gene: CARD8 (caspase recruitment domain family member 8; minus strand). Cytogenetic location: 19q13.33.
Variant type: single nucleotide variant.
Coding change: c.457G>A on transcript NM_001184900.3 (MANE Select); coding-DNA position 457, G replaced by A.
Protein change: p.Glu153Lys; replaces glutamic acid 153 with lysine.
Molecular consequence: missense variant. On other transcripts: non-coding transcript variant (4).
Genome position (GRCh38, 1-based): chr19:48,231,745, C>T on the plus strand (G>A on the coding strand, the complement: CARD8 is on the minus strand). VCF-style: chr19-48231745-C-T. GRCh37 (hg19) VCF-style: chr19-48735002-C-T.
Other names: c.307G>A, p.Glu103Lys (NM_001184901.1, NM_001351783.2, NM_001351788.2 and 2 more transcripts); c.457G>A, p.Glu153Lys (NM_001184902.2, NM_001184903.1, NM_001351782.2); c.142G>A, p.Glu48Lys (NM_001351784.2, NM_001351787.2, NM_001351791.2 and 2 more transcripts); c.121G>A, p.Glu41Lys (NM_001351786.2); c.214G>A, p.Glu72Lys (NM_001351790.2); short protein forms E41K, E48K, E153K, E72K, E103K.
Identifiers: ClinVar variation 4696530 (VCV004696530.1).
Genomic context (GRCh38, chr19:48,231,745, plus strand): 5'-TCAACTCAACATCCACATTTCCTTCAGGCCCCAGAAACTGACGATTTTTATAATCTTCTT[C>T]GATCTCAAAACAGACTTTAGAAGCATAAGAGGAAACTATTTGATTCTCTTCTGAGCAAAT-3'
Protein context (NP_001171829.1, residues 143-163): SYASKVCFEI[Glu153Lys]EDYKNRQFLG